The following is an entry in ClinVar:

ClinVar aggregate classification (germline): Uncertain significance. Review status: criteria provided, multiple submitters, no conflicts (2 of 4 stars). 2 submissions from 2 submitters: Uncertain significance (2). Last evaluated 2025-07-25.

Conditions:
Hereditary cancer-predisposing syndrome. Also called: Hereditary neoplastic syndrome; Neoplastic Syndromes, Hereditary; Tumor predisposition; Hereditary Cancer Syndrome. Identifiers: Orphanet 140162, MedGen C0027672, MeSH D009386, MONDO:0015356.
Fanconi anemia complementation group O. Also called: RAD51C-Related Fanconi Anemia. Identifiers: Orphanet 84, MedGen C3150653, MONDO:0013248, OMIM 613390.

Allele frequency attached by ClinVar (database versions not stated): ESP Exome Variant Server 0.00008.

Submissions (2):

Labcorp Genetics (formerly Invitae), Labcorp
Classification: Uncertain significance for Fanconi anemia complementation group O. Last evaluated: 2025-07-25. Review status: criteria provided, single submitter. Criteria: Invitae Variant Classification Sherloc (09022015). Collection method: clinical testing. Allele origin: germline.
Comment: This sequence change replaces aspartic acid, which is acidic and polar, with glycine, which is neutral and non-polar, at codon 141 of the RAD51C protein (p.Asp141Gly). This variant is not present in population databases (gnomAD no frequency). This variant has not been reported in the literature in individuals affected with RAD51C-related conditions. ClinVar contains an entry for this variant (Variation ID: 1022293). Invitae Evidence Modeling of protein sequence and biophysical properties (such as structural, functional, and spatial information, amino acid conservation, physicochemical variation, residue mobility, and thermodynamic stability) indicates that this missense variant is expected to disrupt RAD51C protein function with a positive predictive value of 80%. In summary, the available evidence is currently insufficient to determine the role of this variant in disease. Therefore, it has been classified as a Variant of Uncertain Significance.

Ambry Genetics
Classification: Uncertain significance for Hereditary cancer-predisposing syndrome. Last evaluated: 2024-05-15. Review status: criteria provided, single submitter. Criteria: Ambry Variant Classification Scheme 2023. Collection method: clinical testing. Allele origin: germline.
Comment: The p.D141G variant (also known as c.422A>G), located in coding exon 3 of the RAD51C gene, results from an A to G substitution at nucleotide position 422. The aspartic acid at codon 141 is replaced by glycine, an amino acid with similar properties. This amino acid position is highly conserved in available vertebrate species. In addition, the in silico prediction for this alteration is inconclusive. Based on the available evidence, the clinical significance of this variant remains unclear.

NM_058216.3(RAD51C):c.422A>G (p.Asp141Gly)

Gene: RAD51C (RAD51 paralog C; plus strand). Cytogenetic location: 17q22.
Variant type: single nucleotide variant.
Coding change: c.422A>G on transcript NM_058216.3 (MANE Select); coding-DNA position 422, A replaced by G.
Protein change: p.Asp141Gly; replaces aspartic acid 141 with glycine.
Molecular consequence: missense variant.
Genome position (GRCh38, 1-based): chr17:58,696,710, A>G. VCF-style: chr17-58696710-A-G. GRCh37 (hg19) VCF-style: chr17-56774071-A-G.
Other names: c.422A>G (NM_058216.1); short protein forms D141G.
Identifiers: ClinVar variation 1022293 (VCV001022293.9), dbSNP rs376494695, ClinGen allele CA292050240.